The following is an entry in ClinVar:

NM_001277313.2(FMN1):c.3514C>G (p.Leu1172Val)

Gene: FMN1 (formin 1; minus strand). Cytogenetic location: 15q13.3.
Variant type: single nucleotide variant.
Coding change: c.3514C>G on transcript NM_001277313.2 (MANE Select); coding-DNA position 3514, C replaced by G.
Protein change: p.Leu1172Val; replaces leucine 1172 with valine.
Molecular consequence: missense variant.
Genome position (GRCh38, 1-based): chr15:32,900,119, G>C on the plus strand (C>G on the coding strand, the complement: FMN1 is on the minus strand). VCF-style: chr15-32900119-G-C. GRCh37 (hg19) VCF-style: chr15-33192320-G-C.
Other names: c.2845C>G, p.Leu949Val (NM_001103184.4); short protein forms L1172V, L949V.
Identifiers: ClinVar variation 3696859 (VCV003696859.2).

ClinVar aggregate classification (germline): Uncertain significance (1 of 4 stars; one submission).

gnomAD v4.1: 7 of 1,613,698 alleles (0.00043%); highest among the groups gnomAD compares: Admixed American, 0.0033%; no homozygotes.

Submission:

Labcorp Genetics (formerly Invitae), Labcorp
Classification: Uncertain significance. Last evaluated: 2025-02-11. Review status: criteria provided, single submitter. Criteria: Invitae Variant Classification Sherloc (09022015). Collection method: clinical testing. Allele origin: germline.
Comment: This sequence change replaces leucine, which is neutral and non-polar, with valine, which is neutral and non-polar, at codon 949 of the FMN1 protein (p.Leu949Val). This variant is present in population databases (no rsID available, gnomAD 0.006%). This variant has not been reported in the literature in individuals affected with FMN1-related conditions. An algorithm developed to predict the effect of missense changes on protein structure and function (PolyPhen-2) suggests that this variant is likely to be disruptive. In summary, the available evidence is currently insufficient to determine the role of this variant in disease. Therefore, it has been classified as a Variant of Uncertain Significance.